The following is an entry in ClinVar:

NM_018127.7(ELAC2):c.1563T>G (p.Phe521Leu)

Gene: ELAC2 (elaC ribonuclease Z 2; minus strand). Cytogenetic location: 17p12.
Variant type: single nucleotide variant.
Coding change: c.1563T>G on transcript NM_018127.7 (MANE Select); coding-DNA position 1563, T replaced by G.
Protein change: p.Phe521Leu; replaces phenylalanine 521 with leucine.
Molecular consequence: missense variant.
Genome position (GRCh38, 1-based): chr17:12,996,643, A>C on the plus strand (T>G on the coding strand, the complement: ELAC2 is on the minus strand). VCF-style: chr17-12996643-A-C. GRCh37 (hg19) VCF-style: chr17-12899960-A-C.
Other names: c.1443T>G, p.Phe481Leu (NM_001165962.2); c.1560T>G, p.Phe520Leu (NM_173717.2); short protein forms F521L, F481L, F520L.
Identifiers: ClinVar variation 572177 (VCV000572177.5), dbSNP rs761488832, ClinGen allele CA398224059.

ClinVar aggregate classification (germline): Uncertain significance (1 of 4 stars; one submission).

Conditions:
Combined oxidative phosphorylation defect type 17. Also called: Combined oxidative phosphorylation deficiency 17. Identifiers: Orphanet 369913, MedGen C3809526, MONDO:0014190, OMIM 615440.

Submission:

Labcorp Genetics (formerly Invitae), Labcorp
Classification: Uncertain significance for Combined oxidative phosphorylation defect type 17. Last evaluated: 2023-08-17. Review status: criteria provided, single submitter. Criteria: Invitae Variant Classification Sherloc (09022015). Collection method: clinical testing. Allele origin: germline.
Comment: This sequence change replaces phenylalanine, which is neutral and non-polar, with leucine, which is neutral and non-polar, at codon 521 of the ELAC2 protein (p.Phe521Leu). This variant is not present in population databases (gnomAD no frequency). In summary, the available evidence is currently insufficient to determine the role of this variant in disease. Therefore, it has been classified as a Variant of Uncertain Significance. Advanced modeling of protein sequence and biophysical properties (such as structural, functional, and spatial information, amino acid conservation, physicochemical variation, residue mobility, and thermodynamic stability) performed at Invitae indicates that this missense variant is not expected to disrupt ELAC2 protein function. ClinVar contains an entry for this variant (Variation ID: 572177). This variant has not been reported in the literature in individuals affected with ELAC2-related conditions.